The following is an entry in ClinVar:

ClinVar aggregate classification (germline): Conflicting classifications of pathogenicity. Review status: criteria provided, conflicting classifications (1 of 4 stars). 2 submissions from 2 submitters: Uncertain significance (1); Likely benign (1). Last evaluated 2024-12-13.

Allele frequency attached by ClinVar (database versions not stated): ExAC 0.00009; gnomAD 0.00012; gnomAD exomes 0.00027; ESP Exome Variant Server 0.00033.
gnomAD v4.1: 396 of 1,588,176 alleles (0.025%); highest among the groups gnomAD compares: Non-Finnish European, 0.033%; 47 homozygotes.

Submissions (2):

Ambry Genetics
Classification: Uncertain significance. Last evaluated: 2024-12-13. Review status: criteria provided, single submitter. Criteria: Ambry Variant Classification Scheme 2023. Collection method: clinical testing. Allele origin: germline.

CeGaT Center for Human Genetics Tuebingen
Classification: Likely benign. Last evaluated: 2023-01-01. Review status: criteria provided, single submitter. Criteria: CeGaT Center For Human Genetics Tuebingen Variant Classification Criteria Version 2. Collection method: clinical testing. Allele origin: germline. Affected: yes. Observed: 1 variant allele.
Comment: AHNAK2: BP4, BS2

NM_138420.4(AHNAK2):c.5587C>A (p.Gln1863Lys)

Gene: AHNAK2 (AHNAK nucleoprotein 2; minus strand). Cytogenetic location: 14q32.33.
Variant type: single nucleotide variant.
Coding change: c.5587C>A on transcript NM_138420.4 (MANE Select); coding-DNA position 5587, C replaced by A.
Protein change: p.Gln1863Lys; replaces glutamine 1863 with lysine.
Molecular consequence: missense variant.
Genome position (GRCh38, 1-based): chr14:104,949,864, G>T on the plus strand (C>A on the coding strand, the complement: AHNAK2 is on the minus strand). VCF-style: chr14-104949864-G-T. GRCh37 (hg19) VCF-style: chr14-105416201-G-T.
Other names: c.5287C>A, p.Gln1763Lys (NM_001350929.2); short protein forms Q1863K, Q1763K.
Identifiers: ClinVar variation 2369479 (VCV002369479.27), dbSNP rs199979952, ClinGen allele CA7381633.